The following is an entry in ClinVar:

NM_198576.4(AGRN):c.5380G>A (p.Gly1794Arg)

Gene: AGRN (agrin; plus strand). Cytogenetic location: 1p36.33.
Variant type: single nucleotide variant.
Coding change: c.5380G>A on transcript NM_198576.4 (MANE Select); coding-DNA position 5380, G replaced by A.
Protein change: p.Gly1794Arg; replaces glycine 1794 with arginine.
Molecular consequence: missense variant.
Genome position (GRCh38, 1-based): chr1:1,051,462, G>A. VCF-style: chr1-1051462-G-A. GRCh37 (hg19) VCF-style: chr1-986842-G-A.
Other names: c.5392G>A, p.Gly1798Arg (NM_001305275.2); c.5077G>A, p.Gly1693Arg (NM_001364727.2); short protein forms G1693R, G1794R, G1798R.
Identifiers: ClinVar variation 1064125 (VCV001064125.9), dbSNP rs374148623, ClinGen allele CA510014.

ClinVar aggregate classification (germline): Uncertain significance (1 of 4 stars; one submission).

Conditions:
Congenital myasthenic syndrome 8. Also called: MYASTHENIC SYNDROME, CONGENITAL, DUE TO AGRIN DEFICIENCY; Myasthenic syndrome, congenital, 8, with pre- and postsynaptic defects. Identifiers: Orphanet 590, MedGen C3808739, MONDO:0014052, OMIM 615120.

Allele frequency attached by ClinVar (database versions not stated): gnomAD 0.00001; TOPMed 0.00001; gnomAD exomes 0.00002; ExAC 0.00005; ESP Exome Variant Server 0.00008.
gnomAD v4.1: 34 of 1,559,194 alleles (0.0022%); highest among the groups gnomAD compares: Middle Eastern, 0.02%; no homozygotes.

Submission:

Labcorp Genetics (formerly Invitae), Labcorp
Classification: Uncertain significance for Congenital myasthenic syndrome 8. Last evaluated: 2024-07-02. Review status: criteria provided, single submitter. Criteria: Invitae Variant Classification Sherloc (09022015). Collection method: clinical testing. Allele origin: germline.
Comment: This sequence change replaces glycine, which is neutral and non-polar, with arginine, which is basic and polar, at codon 1794 of the AGRN protein (p.Gly1794Arg). The frequency data for this variant in the population databases is considered unreliable, as metrics indicate poor data quality at this position in the gnomAD database. This variant has not been reported in the literature in individuals affected with AGRN-related conditions. ClinVar contains an entry for this variant (Variation ID: 1064125). Algorithms developed to predict the effect of missense changes on protein structure and function output the following: SIFT: "Not Available"; PolyPhen-2: "Benign"; Align-GVGD: "Not Available". The arginine amino acid residue is found in multiple mammalian species, which suggests that this missense change does not adversely affect protein function. In summary, the available evidence is currently insufficient to determine the role of this variant in disease. Therefore, it has been classified as a Variant of Uncertain Significance.